The following is an entry in ClinVar:

ClinVar aggregate classification (germline): Likely benign. Review status: criteria provided, single submitter (1 of 4 stars). 2 submissions from 2 submitters: Likely benign (1). 1 of the submissions does not count toward it. Last evaluated 2025-07-29.

Conditions:
Leukocyte adhesion deficiency 3. Also called: INTEGRIN ACTIVATION DEFICIENCY DISEASE; LEUKOCYTE ADHESION DEFICIENCY 1 VARIANT; Leukocyte adhesion deficiency, type III. Identifiers: Orphanet 2968, Orphanet 99844, MedGen C2748536, MONDO:0013016, OMIM 612840.
FERMT3-related disorder. Also called: FERMT3-related condition.

Allele frequency attached by ClinVar (database versions not stated): ExAC 0.00003; gnomAD exomes 0.00004; gnomAD 0.00006; TOPMed 0.00006; ESP Exome Variant Server 0.00008.
gnomAD v4.1: 67 of 1,612,560 alleles (0.0042%); highest among the groups gnomAD compares: Non-Finnish European, 0.0055%; no homozygotes.

Submissions (2):

Labcorp Genetics (formerly Invitae), Labcorp
Classification: Likely benign for Leukocyte adhesion deficiency 3. Last evaluated: 2025-07-29. Review status: criteria provided, single submitter. Criteria: Invitae Variant Classification Sherloc (09022015). Collection method: clinical testing. Allele origin: germline.

PreventionGenetics, part of Exact Sciences
Classification: Likely benign for FERMT3-related condition. Last evaluated: 2020-03-02. Review status: no assertion criteria provided. Collection method: clinical testing. Allele origin: germline. Not counted in ClinVar's aggregate classification.
Comment: This variant is classified as likely benign based on ACMG/AMP sequence variant interpretation guidelines (Richards et al. 2015 PMID: 25741868, with internal and published modifications).

NM_031471.6(FERMT3):c.1596G>A (p.Leu532=)

Gene: FERMT3 (FERM domain containing kindlin 3; plus strand). Cytogenetic location: 11q13.1.
Variant type: single nucleotide variant.
Coding change: c.1596G>A on transcript NM_031471.6 (MANE Select); coding-DNA position 1596, G replaced by A.
Protein change: p.Leu532=; no amino-acid change (leucine 532 retained).
Molecular consequence: synonymous variant.
Genome position (GRCh38, 1-based): chr11:64,221,066, G>A. VCF-style: chr11-64221066-G-A. GRCh37 (hg19) VCF-style: chr11-63988538-G-A.
Other names: c.1596G>A, p.Leu532= (NM_001382361.1, NM_001382448.1); c.1608G>A, p.Leu536= (NM_001382362.1, NM_178443.3); c.1056G>A, p.Leu352= (NM_001382363.1); c.1068G>A, p.Leu356= (NM_001382364.1); c.1596G>A (NM_031471.5).
Identifiers: ClinVar variation 2145162 (VCV002145162.6), dbSNP rs377200793, ClinGen allele CA6069223.